The following is an entry in ClinVar:

ClinVar aggregate classification (germline): Uncertain significance (1 of 4 stars; one submission).

Submission:

Labcorp Genetics (formerly Invitae), Labcorp
Classification: Uncertain significance. Last evaluated: 2022-03-16. Review status: criteria provided, single submitter. Criteria: Invitae Variant Classification Sherloc (09022015). Collection method: clinical testing. Allele origin: germline.
Comment: In summary, the available evidence is currently insufficient to determine the role of this variant in disease. Therefore, it has been classified as a Variant of Uncertain Significance. Algorithms developed to predict the effect of missense changes on protein structure and function output the following: SIFT: "Not Available"; PolyPhen-2: "Benign"; Align-GVGD: "Not Available". The arginine amino acid residue is found in multiple mammalian species, which suggests that this missense change does not adversely affect protein function. This variant has not been reported in the literature in individuals affected with MYO18B-related conditions. This variant is not present in population databases (gnomAD no frequency). This sequence change replaces lysine, which is basic and polar, with arginine, which is basic and polar, at codon 19 of the MYO18B protein (p.Lys19Arg).

NM_032608.7(MYO18B):c.56A>G (p.Lys19Arg)

Gene: MYO18B (myosin XVIIIB; plus strand). Cytogenetic location: 22q12.1.
Variant type: single nucleotide variant.
Coding change: c.56A>G on transcript NM_032608.7 (MANE Select); coding-DNA position 56, A replaced by G.
Protein change: p.Lys19Arg; replaces lysine 19 with arginine.
Molecular consequence: missense variant.
Genome position (GRCh38, 1-based): chr22:25,763,247, A>G. VCF-style: chr22-25763247-A-G. GRCh37 (hg19) VCF-style: chr22-26159214-A-G.
Other names: c.56A>G, p.Lys19Arg (NM_001318245.2); short protein forms K19R.
Identifiers: ClinVar variation 1933402 (VCV001933402.5), dbSNP rs2517621785, ClinGen allele CA410999789.